The following is an entry in ClinVar:

NM_001253697.2(ERBIN):c.839C>T (p.Thr280Met)

Gene: ERBIN (erbb2 interacting protein; plus strand). Cytogenetic location: 5q12.3.
Variant type: single nucleotide variant.
Coding change: c.839C>T on transcript NM_001253697.2 (MANE Select); coding-DNA position 839, C replaced by T.
Protein change: p.Thr280Met; replaces threonine 280 with methionine.
Molecular consequence: missense variant.
Genome position (GRCh38, 1-based): chr5:66,025,501, C>T. VCF-style: chr5-66025501-C-T. GRCh37 (hg19) VCF-style: chr5-65321329-C-T.
Other names: c.839C>T, p.Thr280Met (NM_001006600.3, NM_001253698.2, NM_001253699.2 and 2 more transcripts); short protein forms T280M.
Identifiers: ClinVar variation 1957108 (VCV001957108.5), dbSNP rs776446365, ClinGen allele CA3286064.

ClinVar aggregate classification (germline): Uncertain significance (1 of 4 stars; one submission).

Allele frequency attached by ClinVar (database versions not stated): gnomAD exomes below 0.00001; TOPMed below 0.00001; ExAC 0.00002.
gnomAD v4.1: 5 of 1,611,960 alleles (0.00031%); highest among the groups gnomAD compares: Middle Eastern, 0.017%; no homozygotes.

Submission:

Labcorp Genetics (formerly Invitae), Labcorp
Classification: Uncertain significance. Last evaluated: 2025-12-18. Review status: criteria provided, single submitter. Criteria: Invitae Variant Classification Sherloc (09022015). Collection method: clinical testing. Allele origin: germline.
Comment: This sequence change replaces threonine, which is neutral and polar, with methionine, which is neutral and non-polar, at codon 280 of the ERBIN protein (p.Thr280Met). This variant is present in population databases (rs776446365, gnomAD 0.005%). This variant has not been reported in the literature in individuals affected with ERBIN-related conditions. ClinVar contains an entry for this variant (Variation ID: 1957108). An algorithm developed to predict the effect of missense changes on protein structure and function (PolyPhen-2) suggests that this variant is likely to be disruptive. In summary, the available evidence is currently insufficient to determine the role of this variant in disease. Therefore, it has been classified as a Variant of Uncertain Significance.